The following is an entry in ClinVar:

ClinVar aggregate classification (germline): Likely benign (1 of 4 stars; one submission).

gnomAD v4.1: 2 of 1,612,730 alleles (0.00012%); highest among the groups gnomAD compares: Middle Eastern, 0.017%; no homozygotes.

Submission:

CeGaT Center for Human Genetics Tuebingen
Classification: Likely benign. Last evaluated: 2026-04-01. Review status: criteria provided, single submitter. Criteria: CeGaT Center For Human Genetics Tuebingen Variant Classification Criteria Version 2. Collection method: clinical testing. Allele origin: germline. Affected: yes. Observed: 1 variant allele.
Comment: PTPN1: BP4, BP7

NM_002827.4(PTPN1):c.120C>T (p.Asn40=)

Genes: PTPN1 (protein tyrosine phosphatase non-receptor type 1; plus strand), LOC126863047 (MED14-independent group 3 enhancer GRCh37_chr20:49177610-49178809; plus strand). Cytogenetic location: 20q13.13.
Variant type: single nucleotide variant.
Coding change: c.120C>T on transcript NM_002827.4 (MANE Select); coding-DNA position 120, C replaced by T.
Protein change: p.Asn40=; no amino-acid change (asparagine 40 retained).
Molecular consequence: synonymous variant. On other transcripts: intron variant (1).
Genome position (GRCh38, 1-based): chr20:50,561,419, C>T. VCF-style: chr20-50561419-C-T. GRCh37 (hg19) VCF-style: chr20-49177956-C-T.
Other names: c.-65-3550C>T (NM_001278618.2).
Identifiers: ClinVar variation 4873761 (VCV004873761.2).